The following is an entry in ClinVar:

NM_000038.6(APC):c.287dup (p.Tyr96Ter)

Gene: APC (APC regulator of Wnt signaling pathway; plus strand). Cytogenetic location: 5q22.2.
Variant type: Duplication.
Coding change: c.287dup on transcript NM_000038.6 (MANE Select); coding-DNA position 287, one base duplicated (A; older notation c.287dupA).
Protein change: p.Tyr96Ter; replaces tyrosine 96 with a stop codon.
Molecular consequence: nonsense. On other transcripts: 5 prime UTR variant (1), frameshift variant (17).
Genome position (GRCh38, 1-based): chr5:112,767,255, A duplicated. VCF-style (leftmost placement, unchanged base first): chr5-112767254-T-TA. GRCh37 (hg19) VCF-style: chr5-112102951-T-TA.
Other names: c.287dup, p.Tyr96Ter (NM_001127510.3, NM_001354895.2, NM_001354896.2 and 2 more transcripts); c.317dup, p.Tyr106Ter (NM_001127511.3, NM_001354897.2, NM_001354902.2); c.212dup, p.Tyr71Ter (NM_001354898.2, NM_001354904.2); c.110dup, p.Tyr37Ter (NM_001354900.2, NM_001354901.2, NM_001354905.2); c.-749dup (NM_001354906.2, NM_001407470.1, NM_001407471.1 and 1 more transcripts); c.317dup, p.Tyr106Terfs (NM_001407446.1); c.287dup, p.Tyr96Terfs (NM_001407447.1, NM_001407448.1, NM_001407449.1 and 11 more transcripts); c.212dup, p.Tyr71Terfs (NM_001407451.1); and 1 more; short protein forms Y71*, Y106*, Y96*, Y37*.
Identifiers: ClinVar variation 1797156 (VCV001797156.3), dbSNP rs2532293780, ClinGen allele CA2580072379.

ClinVar aggregate classification (germline): Pathogenic (1 of 4 stars; one submission).

Conditions:
Hereditary cancer-predisposing syndrome. Also called: Tumor predisposition; Hereditary Cancer Syndrome; Neoplastic Syndromes, Hereditary; Hereditary neoplastic syndrome. Identifiers: Orphanet 140162, MedGen C0027672, MeSH D009386, MONDO:0015356.

Submission:

Ambry Genetics
Classification: Pathogenic for Hereditary cancer-predisposing syndrome. Last evaluated: 2024-07-16. Review status: criteria provided, single submitter. Criteria: Ambry Variant Classification Scheme 2023. Collection method: clinical testing. Allele origin: germline.
Comment: The c.287dupA pathogenic mutation (also known as p.Y96*), located in coding exon 3 of the APC gene, results from a duplication of A at nucleotide position 287. This changes the amino acid from a tyrosine to a stop codon within coding exon 3. In a large (n=1591) series of patients referred for APC testing, this alteration was detected in one individual (Kerr SE et al. J. Mol. Diagn. 2013 Jan;15:31-43). This variant is considered to be rare based on population cohorts in the Genome Aggregation Database (gnomAD). In addition to the clinical data presented in the literature, this alteration is expected to result in loss of function by premature protein truncation or nonsense-mediated mRNA decay. As such, this alteration is interpreted as a disease-causing mutation.

Literature cited by the submitters: PubMed 23159591.